The following is an entry in ClinVar:

ClinVar aggregate classification (germline): Uncertain significance (1 of 4 stars; one submission).

Conditions:
Primary dilated cardiomyopathy (DCM). Also called: Dilated Cardiomyopathy. Identifiers: Orphanet 217604, MedGen C0007193, MeSH D002311, MONDO:0005021, HP:0001644. Inheritance: Various modes of inheritance.

Allele frequency attached by ClinVar (database versions not stated): gnomAD exomes below 0.00001.
gnomAD v4.1: 6 of 1,609,260 alleles (0.00037%); highest among the groups gnomAD compares: Non-Finnish European, 0.00051%; no homozygotes.

Submission:

Labcorp Genetics (formerly Invitae), Labcorp
Classification: Uncertain significance for Primary dilated cardiomyopathy. Last evaluated: 2023-10-03. Review status: criteria provided, single submitter. Criteria: Invitae Variant Classification Sherloc (09022015). Collection method: clinical testing. Allele origin: germline.
Comment: This sequence change replaces valine, which is neutral and non-polar, with isoleucine, which is neutral and non-polar, at codon 645 of the NEBL protein (p.Val645Ile). This variant is present in population databases (no rsID available, gnomAD 0.0009%). This variant has not been reported in the literature in individuals affected with NEBL-related conditions. ClinVar contains an entry for this variant (Variation ID: 656141). Algorithms developed to predict the effect of missense changes on protein structure and function output the following: SIFT: "Not Available"; PolyPhen-2: "Benign"; Align-GVGD: "Not Available". The isoleucine amino acid residue is found in multiple mammalian species, which suggests that this missense change does not adversely affect protein function. In summary, the available evidence is currently insufficient to determine the role of this variant in disease. Therefore, it has been classified as a Variant of Uncertain Significance.

NM_006393.3(NEBL):c.1933G>A (p.Val645Ile)

Gene: NEBL (nebulette; minus strand). Cytogenetic location: 10p12.31.
Variant type: single nucleotide variant.
Coding change: c.1933G>A on transcript NM_006393.3 (MANE Select); coding-DNA position 1933, G replaced by A.
Protein change: p.Val645Ile; replaces valine 645 with isoleucine.
Molecular consequence: missense variant. On other transcripts: intron variant (9).
Genome position (GRCh38, 1-based): chr10:20,823,237, C>T on the plus strand (G>A on the coding strand, the complement: NEBL is on the minus strand). VCF-style: chr10-20823237-C-T. GRCh37 (hg19) VCF-style: chr10-21112166-C-T.
Other names: c.250-10297G>A (NM_001377326.1, NM_001377327.1, NM_001377328.1); c.358-10297G>A (NM_213569.2, NM_001173484.2, NM_001377322.1); c.301-10297G>A (NM_001377324.1); c.292-10297G>A (NM_001377325.1); c.310-10297G>A (NM_001377323.1); short protein forms V645I.
Identifiers: ClinVar variation 656141 (VCV000656141.9), dbSNP rs1169892636, ClinGen allele CA376095466.